The following is an entry in ClinVar:

NM_003846.3(PEX11B):c.626T>C (p.Leu209Pro)

Gene: PEX11B (peroxisomal biogenesis factor 11 beta; minus strand). Cytogenetic location: 1q21.1.
Variant type: single nucleotide variant.
Coding change: c.626T>C on transcript NM_003846.3 (MANE Select); coding-DNA position 626, T replaced by C.
Protein change: p.Leu209Pro; replaces leucine 209 with proline.
Molecular consequence: missense variant. On other transcripts: non-coding transcript variant (3).
Genome position (GRCh38, 1-based): chr1:145,912,315, A>G on the plus strand (T>C on the coding strand, the complement: PEX11B is on the minus strand). VCF-style: chr1-145912315-A-G. GRCh37 (hg19) VCF-style: chr1-145522765-T-C.
Other names: c.584T>C, p.Leu195Pro (NM_001184795.1); short protein forms L209P, L195P.
Identifiers: ClinVar variation 1393884 (VCV001393884.6), dbSNP rs1657837757, ClinGen allele CA342120797.

ClinVar aggregate classification (germline): Uncertain significance (1 of 4 stars; one submission).

Submission:

Labcorp Genetics (formerly Invitae), Labcorp
Classification: Uncertain significance. Last evaluated: 2021-11-18. Review status: criteria provided, single submitter. Criteria: Invitae Variant Classification Sherloc (09022015). Collection method: clinical testing. Allele origin: germline.
Comment: In summary, the available evidence is currently insufficient to determine the role of this variant in disease. Therefore, it has been classified as a Variant of Uncertain Significance. Algorithms developed to predict the effect of missense changes on protein structure and function are either unavailable or do not agree on the potential impact of this missense change (SIFT: "Deleterious"; PolyPhen-2: "Probably Damaging"; Align-GVGD: "Class C0"). This variant has not been reported in the literature in individuals affected with PEX11B-related conditions. This variant is not present in population databases (gnomAD no frequency). This sequence change replaces leucine, which is neutral and non-polar, with proline, which is neutral and non-polar, at codon 209 of the PEX11B protein (p.Leu209Pro).